The following is an entry in ClinVar:

ClinVar aggregate classification (germline): Uncertain significance (1 of 4 stars; one submission).

Allele frequency attached by ClinVar (database versions not stated): gnomAD 0.00001.
gnomAD v4.1: 34 of 1,614,080 alleles (0.0021%); highest among the groups gnomAD compares: Non-Finnish European, 0.0025%; no homozygotes.

Submission:

Labcorp Genetics (formerly Invitae), Labcorp
Classification: Uncertain significance. Last evaluated: 2021-11-24. Review status: criteria provided, single submitter. Criteria: Invitae Variant Classification Sherloc (09022015). Collection method: clinical testing. Allele origin: germline.
Comment: This variant is present in population databases (rs770457373, gnomAD 0.007%). In summary, the available evidence is currently insufficient to determine the role of this variant in disease. Therefore, it has been classified as a Variant of Uncertain Significance. Algorithms developed to predict the effect of missense changes on protein structure and function are either unavailable or do not agree on the potential impact of this missense change (SIFT: "Deleterious"; PolyPhen-2: "Probably Damaging"; Align-GVGD: "Class C0"). This variant has not been reported in the literature in individuals affected with MCM3AP-related conditions. This sequence change replaces proline, which is neutral and non-polar, with leucine, which is neutral and non-polar, at codon 321 of the MCM3AP protein (p.Pro321Leu).

NM_003906.5(MCM3AP):c.962C>T (p.Pro321Leu)

Gene: MCM3AP (minichromosome maintenance complex component 3 associated protein; minus strand). Cytogenetic location: 21q22.3.
Variant type: single nucleotide variant.
Coding change: c.962C>T on transcript NM_003906.5 (MANE Select); coding-DNA position 962, C replaced by T.
Protein change: p.Pro321Leu; replaces proline 321 with leucine.
Molecular consequence: missense variant.
Genome position (GRCh38, 1-based): chr21:46,284,325, G>A on the plus strand (C>T on the coding strand, the complement: MCM3AP is on the minus strand). VCF-style: chr21-46284325-G-A. GRCh37 (hg19) VCF-style: chr21-47704239-G-A.
Other names: short protein forms P321L.
Identifiers: ClinVar variation 1488359 (VCV001488359.6), dbSNP rs770457373, ClinGen allele CA10077222.